The following is an entry in ClinVar:

NM_020461.4(TUBGCP6):c.2612C>T (p.Pro871Leu)

Gene: TUBGCP6 (tubulin gamma complex component 6; minus strand). Cytogenetic location: 22q13.33.
Variant type: single nucleotide variant.
Coding change: c.2612C>T on transcript NM_020461.4 (MANE Select); coding-DNA position 2612, C replaced by T.
Protein change: p.Pro871Leu; replaces proline 871 with leucine.
Molecular consequence: missense variant.
Genome position (GRCh38, 1-based): chr22:50,221,747, G>A on the plus strand (C>T on the coding strand, the complement: TUBGCP6 is on the minus strand). VCF-style: chr22-50221747-G-A. GRCh37 (hg19) VCF-style: chr22-50660176-G-A.
Other names: short protein forms P871L.
Identifiers: ClinVar variation 1040618 (VCV001040618.4), dbSNP rs138258279, ClinGen allele CA10308156.

ClinVar aggregate classification (germline): Uncertain significance (1 of 4 stars; one submission).

Allele frequency attached by ClinVar (database versions not stated): gnomAD exomes 0.00002 and 0.00004; TOPMed 0.00002; ExAC 0.00003; gnomAD 0.00004; ESP Exome Variant Server 0.00008; 1000 Genomes Project 30x 0.00016; 1000 Genomes Project 0.00020.
gnomAD v4.1: 62 of 1,516,034 alleles (0.0041%); highest among the groups gnomAD compares: Admixed American, 0.009%; no homozygotes.

Submission:

Labcorp Genetics (formerly Invitae), Labcorp
Classification: Uncertain significance. Last evaluated: 2022-10-13. Review status: criteria provided, single submitter. Criteria: Invitae Variant Classification Sherloc (09022015). Collection method: clinical testing. Allele origin: germline.
Comment: This sequence change replaces proline, which is neutral and non-polar, with leucine, which is neutral and non-polar, at codon 871 of the TUBGCP6 protein (p.Pro871Leu). This variant is present in population databases (rs138258279, gnomAD 0.004%). This variant has not been reported in the literature in individuals affected with TUBGCP6-related conditions. ClinVar contains an entry for this variant (Variation ID: 1040618). Algorithms developed to predict the effect of missense changes on protein structure and function (SIFT, PolyPhen-2, Align-GVGD) all suggest that this variant is likely to be tolerated. In summary, the available evidence is currently insufficient to determine the role of this variant in disease. Therefore, it has been classified as a Variant of Uncertain Significance.